The following is an entry in ClinVar:

NC_000007.13:g.(?_16341026)_(16341111_?)del

Gene: CRPPA (CDP-L-ribitol pyrophosphorylase A; minus strand). Cytogenetic location: 7p21.2.
Variant type: Deletion.
Identifiers: ClinVar variation 1680626 (VCV001680626.5).

ClinVar aggregate classification (germline): Pathogenic (1 of 4 stars; one submission).

Conditions:
Muscular dystrophy-dystroglycanopathy (congenital with brain and eye anomalies), type A, 7. Also called: WALKER-WARBURG SYNDROME OR MUSCLE-EYE-BRAIN DISEASE, ISPD-RELATED; Congenital muscular dystrophy-dystroglycanopathy with brain and eye anomalies, type A7. Identifiers: Orphanet 899, MedGen C3553330, MONDO:0013835, OMIM 614643.
Autosomal recessive limb-girdle muscular dystrophy type 2U. Also called: Muscular dystrophy-dystroglycanopathy (limb-girdle), type c, 7; MUSCULAR DYSTROPHY, LIMB-GIRDLE, TYPE 2U. Identifiers: Orphanet 352479, MedGen C5190987, MONDO:0014474, OMIM 616052.

Submission:

Labcorp Genetics (formerly Invitae), Labcorp
Classification: Pathogenic for Muscular dystrophy-dystroglycanopathy (congenital with brain and eye anomalies), type A, 7; Autosomal recessive limb-girdle muscular dystrophy type 2U. Last evaluated: 2021-08-19. Review status: criteria provided, single submitter. Criteria: Invitae Variant Classification Sherloc (09022015). Collection method: clinical testing. Allele origin: germline.
Comment: This variant is a gross deletion of the genomic region encompassing exon(s) 5 of the ISPD gene. This deletion is out-of-frame, and is expected to create a premature termination codon and result in an absent or disrupted protein product. Loss-of-function variants in ISPD are known to be pathogenic (PMID: 23288328). This variant has not been reported in the literature in individuals affected with ISPD-related conditions. For these reasons, this variant has been classified as Pathogenic.

Literature cited by the submitters: PubMed 23288328.